The following is an entry in ClinVar:

NM_001123385.2(BCOR):c.4240C>G (p.Gln1414Glu)

Gene: BCOR (BCL6 corepressor; minus strand). Cytogenetic location: Xp11.4.
Variant type: single nucleotide variant.
Coding change: c.4240C>G on transcript NM_001123385.2 (MANE Select); coding-DNA position 4240, C replaced by G.
Protein change: p.Gln1414Glu; replaces glutamine 1414 with glutamic acid.
Molecular consequence: missense variant.
Genome position (GRCh38, 1-based): chrX:40,062,327, G>C on the plus strand (C>G on the coding strand, the complement: BCOR is on the minus strand). VCF-style: chrX-40062327-G-C. GRCh37 (hg19) VCF-style: chrX-39921580-G-C.
Other names: c.4138C>G, p.Gln1380Glu (NM_001123383.2, NM_017745.6); c.4084C>G, p.Gln1362Glu (NM_001123384.2); short protein forms Q1380E, Q1414E, Q1362E.
Identifiers: ClinVar variation 1349812 (VCV001349812.6), dbSNP rs1602122136, ClinGen allele CA412736171.
Genomic context (GRCh38, chrX:40,062,327, plus strand): 5'-GCTGTGTGGACTGGGAGGCTGGTAGCAGTTGCTGCAAGCGGTCGAAGGGCTTTGGCTCCT[G>C]CTTGGCTGGTGACAGATCATAGTCCGAACTGGGCTCCGGCCGCTTTCTGAATCTCCGGAC-3'
Protein context (NP_001116857.1, residues 1404-1424): SSDYDLSPAK[Gln1414Glu]EPKPFDRLQQ

ClinVar aggregate classification (germline): Uncertain significance (1 of 4 stars; one submission).

Conditions:
Oculofaciocardiodental syndrome (MCOPS2). Identifiers: Orphanet 2712, MedGen C1846265, MONDO:0010261, OMIM 300166.

Allele frequency attached by ClinVar (database versions not stated): gnomAD exomes below 0.00001.
gnomAD v4.1: 1 of 1,208,166 alleles (0.000083%); highest among the groups gnomAD compares: Non-Finnish European, 0.00011%; no homozygotes.

Submission:

Labcorp Genetics (formerly Invitae), Labcorp
Classification: Uncertain significance for Oculofaciocardiodental syndrome. Last evaluated: 2022-07-05. Review status: criteria provided, single submitter. Criteria: Invitae Variant Classification Sherloc (09022015). Collection method: clinical testing. Allele origin: germline.
Comment: This sequence change replaces glutamine, which is neutral and polar, with glutamic acid, which is acidic and polar, at codon 1380 of the BCOR protein (p.Gln1380Glu). This variant is not present in population databases (gnomAD no frequency). This variant has not been reported in the literature in individuals affected with BCOR-related conditions. ClinVar contains an entry for this variant (Variation ID: 1349812). Algorithms developed to predict the effect of missense changes on protein structure and function are either unavailable or do not agree on the potential impact of this missense change (SIFT: "Deleterious"; PolyPhen-2: "Benign"; Align-GVGD: "Class C25"). In summary, the available evidence is currently insufficient to determine the role of this variant in disease. Therefore, it has been classified as a Variant of Uncertain Significance.